The following is an entry in ClinVar:

NM_032119.4(ADGRV1):c.12120+3A>T

Gene: ADGRV1 (adhesion G protein-coupled receptor V1; plus strand). Cytogenetic location: 5q14.3.
Variant type: single nucleotide variant.
Coding change: c.12120+3A>T on transcript NM_032119.4 (MANE Select); 3 bases into the intron after coding-DNA position 12120, A replaced by T.
Molecular consequence: intron variant.
Genome position (GRCh38, 1-based): chr5:90,759,591, A>T. VCF-style: chr5-90759591-A-T. GRCh37 (hg19) VCF-style: chr5-90055408-A-T.
Identifiers: ClinVar variation 1015126 (VCV001015126.7), dbSNP rs1756235368, ClinGen allele CA1562888130.

ClinVar aggregate classification (germline): Uncertain significance (1 of 4 stars; one submission).

Submission:

Labcorp Genetics (formerly Invitae), Labcorp
Classification: Uncertain significance. Last evaluated: 2020-02-18. Review status: criteria provided, single submitter. Criteria: Invitae Variant Classification Sherloc (09022015). Collection method: clinical testing. Allele origin: germline.
Comment: In summary, the available evidence is currently insufficient to determine the role of this variant in disease. Therefore, it has been classified as a Variant of Uncertain Significance. Nucleotide substitutions within the consensus splice site are a relatively common cause of aberrant splicing (PMID: 17576681, 9536098). Algorithms developed to predict the effect of sequence changes on RNA splicing suggest that this variant may disrupt the consensus splice site, but this prediction has not been confirmed by published transcriptional studies. This variant has not been reported in the literature in individuals with ADGRV1-related conditions. This variant is not present in population databases (ExAC no frequency). This sequence change falls in intron 58 of the ADGRV1 gene. It does not directly change the encoded amino acid sequence of the ADGRV1 protein, but it affects a nucleotide within the consensus splice site of the intron.

Literature cited by the submitters: PubMed 17576681; PubMed 9536098.